The following is an entry in ClinVar:

ClinVar aggregate classification (germline): Uncertain significance (1 of 4 stars; one submission).

Allele frequency attached by ClinVar (database versions not stated): gnomAD 0.00001; ExAC 0.00002; gnomAD exomes 0.00002; TOPMed 0.00002.
gnomAD v4.1: 27 of 1,613,822 alleles (0.0017%); highest among the groups gnomAD compares: South Asian, 0.0022%; no homozygotes.

Submission:

Labcorp Genetics (formerly Invitae), Labcorp
Classification: Uncertain significance. Last evaluated: 2026-01-01. Review status: criteria provided, single submitter. Criteria: Invitae Variant Classification Sherloc (09022015). Collection method: clinical testing. Allele origin: germline.
Comment: This sequence change replaces arginine, which is basic and polar, with histidine, which is basic and polar, at codon 59 of the DSG1 protein (p.Arg59His). This variant is present in population databases (rs757841646, gnomAD 0.007%). This variant has not been reported in the literature in individuals affected with DSG1-related conditions. ClinVar contains an entry for this variant (Variation ID: 1435340). Invitae Evidence Modeling of protein sequence and biophysical properties (such as structural, functional, and spatial information, amino acid conservation, physicochemical variation, residue mobility, and thermodynamic stability) has been performed for this missense variant. However, the output from this modeling did not meet the statistical confidence thresholds required to predict the impact of this variant on DSG1 protein function. In summary, the available evidence is currently insufficient to determine the role of this variant in disease. Therefore, it has been classified as a Variant of Uncertain Significance.

NM_001942.4(DSG1):c.176G>A (p.Arg59His)

Gene: DSG1 (desmoglein 1; plus strand). Cytogenetic location: 18q12.1.
Variant type: single nucleotide variant.
Coding change: c.176G>A on transcript NM_001942.4 (MANE Select); coding-DNA position 176, G replaced by A.
Protein change: p.Arg59His; replaces arginine 59 with histidine.
Molecular consequence: missense variant.
Genome position (GRCh38, 1-based): chr18:31,326,965, G>A. VCF-style: chr18-31326965-G-A. GRCh37 (hg19) VCF-style: chr18-28906928-G-A.
Other names: short protein forms R59H.
Identifiers: ClinVar variation 1435340 (VCV001435340.8), dbSNP rs757841646, ClinGen allele CA8925775.
Genomic context (GRCh38, chr18:31,326,965, plus strand): 5'-TCAAATGGCATTCAATCCGAAGGCAGAAACGTGAATGGATCAAGTTCGCAGCAGCCTGTC[G>A]TGAAGGTGAAGACAACTCAAAGAGGAACCCAATCGCCAAAGTAGGTATCAACTCCAAAGC-3'
Protein context (NP_001933.2, residues 49-69): REWIKFAAAC[Arg59His]EGEDNSKRNP